The following is an entry in ClinVar:

NM_000169.3(GLA):c.1091C>G (p.Ser364Cys)

Genes: GLA (galactosidase alpha; minus strand), RPL36A-HNRNPH2 (RPL36A-HNRNPH2 readthrough; plus strand). Cytogenetic location: Xq22.1.
Variant type: single nucleotide variant.
Coding change: c.1091C>G on transcript NM_000169.3 (MANE Select); coding-DNA position 1091, C replaced by G.
Protein change: p.Ser364Cys; replaces serine 364 with cysteine.
Molecular consequence: missense variant. On other transcripts: non-coding transcript variant (3), intron variant (2).
Genome position (GRCh38, 1-based): chrX:101,398,008, G>C on the plus strand (C>G on the coding strand, the complement: GLA is on the minus strand). VCF-style: chrX-101398008-G-C. GRCh37 (hg19) VCF-style: chrX-100652996-G-C.
Other names: c.1214C>G, p.Ser405Cys (NM_001406747.1); c.300+2551G>C (NM_001199973.2); c.177+6186G>C (NM_001199974.2); short protein forms S364C, S405C.
Identifiers: ClinVar variation 4087639 (VCV004087639.2).

ClinVar aggregate classification (germline): Uncertain significance (1 of 4 stars; one submission).

Conditions:
Fabry disease. Also called: ALPHA-GALACTOSIDASE A DEFICIENCY; ANDERSON-FABRY DISEASE; CERAMIDE TRIHEXOSIDASE DEFICIENCY; GLA DEFICIENCY; HEREDITARY DYSTOPIC LIPIDOSIS; Angiokeratoma corporis diffusum. Identifiers: Orphanet 324, MedGen C0002986, MONDO:0010526, OMIM 301500, HP:0001071. Disease mechanism: Fabry disease is due to inactivating mutations in the X-linked GLA gene resulting in deficiency of the enzyme Alpha Galactosidase-A., loss of function.

Submission:

Genomenon, Inc
Classification: Uncertain significance for Fabry disease. Last evaluated: 2026-09-08. Review status: criteria provided, single submitter. Criteria: Genomenon Sequence Variant Interpretation Standards - Updated. Collection method: curation. Allele origin: germline. Affected: yes.
Comment: GLA p.Ser364Cys (c.1091C>G) is a missense variant that changes the amino acid at codon 364 from Serine to Cysteine. This variant has been observed in at least one proband with clinical features consistent with Fabry disease (PMID:30739116;38002959). It is absent or not present at a significant frequency in gnomAD. In conclusion, we classify GLA p.Ser364Cys (c.1091C>G) as a variant of uncertain significance.

Literature cited by the submitters: PubMed 30739116; PubMed 38002959.